The following is an entry in ClinVar:

NM_033131.4(WNT3A):c.92A>G (p.Gln31Arg)

Gene: WNT3A (Wnt family member 3A; plus strand). Cytogenetic location: 1q42.13.
Variant type: single nucleotide variant.
Coding change: c.92A>G on transcript NM_033131.4 (MANE Select); coding-DNA position 92, A replaced by G.
Protein change: p.Gln31Arg; replaces glutamine 31 with arginine.
Molecular consequence: missense variant.
Genome position (GRCh38, 1-based): chr1:228,022,687, A>G. VCF-style: chr1-228022687-A-G. GRCh37 (hg19) VCF-style: chr1-228210388-A-G.
Other names: short protein forms Q31R.
Identifiers: ClinVar variation 4695915 (VCV004695915.1).

ClinVar aggregate classification (germline): Uncertain significance (1 of 4 stars; one submission).

Submission:

Labcorp Genetics (formerly Invitae), Labcorp
Classification: Uncertain significance. Last evaluated: 2025-12-10. Review status: criteria provided, single submitter. Criteria: Invitae Variant Classification Sherloc (09022015). Collection method: clinical testing. Allele origin: germline.
Comment: This sequence change replaces glutamine, which is neutral and polar, with arginine, which is basic and polar, at codon 31 of the WNT3A protein (p.Gln31Arg). This variant is not present in population databases (gnomAD no frequency). This variant has not been reported in the literature in individuals affected with WNT3A-related conditions. An algorithm developed to predict the effect of missense changes on protein structure and function (PolyPhen-2) suggests that this variant is likely to be disruptive. In summary, the available evidence is currently insufficient to determine the role of this variant in disease. Therefore, it has been classified as a Variant of Uncertain Significance.